The following is an entry in ClinVar:

ClinVar aggregate classification (germline): Uncertain significance (1 of 4 stars; one submission).

Conditions:
Agammaglobulinemia 7, autosomal recessive (AGM7). Also called: AGAMMAGLOBULINEMIA, AUTOSOMAL RECESSIVE, DUE TO PIK3R1 DEFECT. Identifiers: MedGen C3554689, MONDO:0014083, OMIM 615214.
Immunodeficiency 36 with lymphoproliferation. Also called: Immunodeficiency 36; ACTIVATED PI3K-DELTA SYNDROME 2; Activated PI3K Delta Syndrome Type 2 (APDS2). Identifiers: Orphanet 397596, Orphanet 693681, MedGen C4014934, MONDO:0014453, OMIM 616005.
SHORT syndrome. Also called: SHORT STATURE, HYPEREXTENSIBILITY, HERNIA, OCULAR DEPRESSION, RIEGER ANOMALY, AND TEETHING DELAY; LIPODYSTROPHY, PARTIAL, WITH RIEGER ANOMALY AND SHORT STATURE; PIK3R1-Related SHORT Syndrome. Identifiers: Orphanet 3163, MedGen C0878684, MONDO:0010026, OMIM 269880.

Submission:

Labcorp Genetics (formerly Invitae), Labcorp
Classification: Uncertain significance for SHORT syndrome; Immunodeficiency 36 with lymphoproliferation; Agammaglobulinemia 7, autosomal recessive. Last evaluated: 2024-10-19. Review status: criteria provided, single submitter. Criteria: Invitae Variant Classification Sherloc (09022015). Collection method: clinical testing. Allele origin: germline.
Comment: This variant, c.1836_1847dup, results in the insertion of 4 amino acid(s) of the PIK3R1 protein (p.Asp615_Leu616insPheAspGluAsp), but otherwise preserves the integrity of the reading frame. This variant is not present in population databases (gnomAD no frequency). This variant has not been reported in the literature in individuals affected with PIK3R1-related conditions. In summary, the available evidence is currently insufficient to determine the role of this variant in disease. Therefore, it has been classified as a Variant of Uncertain Significance.

NM_181523.3(PIK3R1):c.1836_1847dup (p.Asp615_Leu616insPheAspGluAsp)

Gene: PIK3R1 (phosphoinositide-3-kinase regulatory subunit 1; plus strand). Cytogenetic location: 5q13.1.
Variant type: Duplication.
Coding change: c.1836_1847dup on transcript NM_181523.3 (MANE Select); coding-DNA positions 1836 to 1847, 12 bases duplicated (TGATGAAGATTT).
Protein change: p.Asp615_Leu616insPheAspGluAsp.
Molecular consequence: inframe insertion.
Genome position (GRCh38, 1-based): chr5:68,296,192-68,296,203, TGATGAAGATTT duplicated. VCF-style (leftmost placement, unchanged base first): chr5-68296191-A-ATGATGAAGATTT. GRCh37 (hg19) VCF-style: chr5-67592019-A-ATGATGAAGATTT.
Other names: c.747_758dup, p.Asp252_Leu253insPheAspGluAsp (NM_001242466.2); c.1026_1037dup, p.Asp345_Leu346insPheAspGluAsp (NM_181504.4); c.936_947dup, p.Asp315_Leu316insPheAspGluAsp (NM_181524.2).
Identifiers: ClinVar variation 3759520 (VCV003759520.2).
Genomic context (GRCh38, chr5:68,296,191, plus strand): 5'-TGCACTCTTCATTTAGAAACTTTCTGTCCTGCCTGCCTAGCCAATATTCACTGGTGGAAG[A>ATGATGAAGATTT]TGATGAAGATTTGCCCCATCATGATGAGAAGACATGGAATGTTGGAAGCAGCAACCGAAA-3'